The following is an entry in ClinVar:

NM_004304.5(ALK):c.1601T>C (p.Val534Ala)

Gene: ALK (ALK receptor tyrosine kinase; minus strand). Cytogenetic location: 2p23.2.
Variant type: single nucleotide variant.
Coding change: c.1601T>C on transcript NM_004304.5 (MANE Select); coding-DNA position 1601, T replaced by C.
Protein change: p.Val534Ala; replaces valine 534 with alanine.
Molecular consequence: missense variant.
Genome position (GRCh38, 1-based): chr2:29,318,350, A>G on the plus strand (T>C on the coding strand, the complement: ALK is on the minus strand). VCF-style: chr2-29318350-A-G. GRCh37 (hg19) VCF-style: chr2-29541216-A-G.
Other names: short protein forms V534A.
Identifiers: ClinVar variation 664839 (VCV000664839.9), dbSNP rs1573223031, ClinGen allele CA346471079.

ClinVar aggregate classification (germline): Uncertain significance. Review status: criteria provided, multiple submitters, no conflicts (2 of 4 stars). 2 submissions from 2 submitters: Uncertain significance (2). Last evaluated 2026-06-08.

Conditions:
Hereditary cancer-predisposing syndrome. Also called: Neoplastic Syndromes, Hereditary; Hereditary neoplastic syndrome; Hereditary Cancer Syndrome; Tumor predisposition. Identifiers: Orphanet 140162, MedGen C0027672, MeSH D009386, MONDO:0015356.
Neuroblastoma, susceptibility to, 3. Also called: ALK-Related Neuroblastic Tumor Susceptibility. Identifiers: Orphanet 635, MedGen C2751681, MONDO:0013083, OMIM 613014.

Submissions (2):

Ambry Genetics
Classification: Uncertain significance for Hereditary cancer-predisposing syndrome. Last evaluated: 2026-06-08. Review status: criteria provided, single submitter. Criteria: Ambry Variant Classification Scheme 2023. Collection method: clinical testing. Allele origin: germline.
Comment: The p.V534A variant (also known as c.1601T>C), located in coding exon 8 of the ALK gene, results from a T to C substitution at nucleotide position 1601. The valine at codon 534 is replaced by alanine, an amino acid with similar properties. This amino acid position is conserved. In addition, this alteration is predicted to be tolerated by in silico analysis. Based on the available evidence, the clinical significance of this variant remains unclear.

Labcorp Genetics (formerly Invitae), Labcorp
Classification: Uncertain significance for Neuroblastoma, susceptibility to, 3. Last evaluated: 2024-02-17. Review status: criteria provided, single submitter. Criteria: Invitae Variant Classification Sherloc (09022015). Collection method: clinical testing. Allele origin: germline.
Comment: This sequence change replaces valine, which is neutral and non-polar, with alanine, which is neutral and non-polar, at codon 534 of the ALK protein (p.Val534Ala). This variant is not present in population databases (gnomAD no frequency). This variant has not been reported in the literature in individuals affected with ALK-related conditions. ClinVar contains an entry for this variant (Variation ID: 664839). An algorithm developed to predict the effect of missense changes on protein structure and function (PolyPhen-2) suggests that this variant is likely to be tolerated. In summary, the available evidence is currently insufficient to determine the role of this variant in disease. Therefore, it has been classified as a Variant of Uncertain Significance.